The following is an entry in ClinVar:

ClinVar aggregate classification (germline): Uncertain significance (1 of 4 stars; one submission).

Conditions:
Dyskeratosis congenita. Identifiers: Orphanet 1775, MedGen C0265965, MONDO:0015780.

Submission:

Ambry Genetics
Classification: Uncertain significance for Dyskeratosis congenita. Last evaluated: 2022-07-02. Review status: criteria provided, single submitter. Criteria: Ambry Variant Classification Scheme 2023. Collection method: clinical testing. Allele origin: germline.
Comment: The p.P1066S variant (also known as c.3196C>T), located in coding exon 15 of the TERT gene, results from a C to T substitution at nucleotide position 3196. The proline at codon 1066 is replaced by serine, an amino acid with similar properties. This amino acid position is conserved. In addition, the in silico prediction for this alteration is inconclusive. Since supporting evidence is limited at this time, the clinical significance of this alteration remains unclear.

NM_198253.3(TERT):c.3196C>T (p.Pro1066Ser)

Gene: TERT (telomerase reverse transcriptase; minus strand). Cytogenetic location: 5p15.33.
Variant type: single nucleotide variant.
Coding change: c.3196C>T on transcript NM_198253.3 (MANE Select); coding-DNA position 3196, C replaced by T.
Protein change: p.Pro1066Ser; replaces proline 1066 with serine.
Molecular consequence: missense variant. On other transcripts: non-coding transcript variant (2).
Genome position (GRCh38, 1-based): chr5:1,254,467, G>A on the plus strand (C>T on the coding strand, the complement: TERT is on the minus strand). VCF-style: chr5-1254467-G-A. GRCh37 (hg19) VCF-style: chr5-1254582-G-A.
Other names: c.3007C>T, p.Pro1003Ser (NM_001193376.3); c.3196C>T, p.Pro1066Ser (NM_003219.1); short protein forms P1066S, P1003S.
Identifiers: ClinVar variation 1728719 (VCV001728719.2), dbSNP rs2478074274, ClinGen allele CA359067454.
Genomic context (GRCh38, chr5:1,254,467, plus strand): 5'-GGTGTCGAGTCAGCTTGAGCAGGAATGCTTGGTGGCACAGCCACTGCACGGCCTCGGAGG[G>A]CAGAGGGCCGGCGGCGCCCTTGGCCCCCAGCGACATCCCTGGGGGAAAACAGAGGCTGAG-3'
Protein context (NP_937983.2, residues 1056-1076): LGAKGAAGPL[Pro1066Ser]SEAVQWLCHQ